The following is an entry in ClinVar:

NM_001170629.2(CHD8):c.1090C>T (p.Pro364Ser)

Gene: CHD8 (chromodomain helicase DNA binding protein 8; minus strand). Cytogenetic location: 14q11.2.
Variant type: single nucleotide variant.
Coding change: c.1090C>T on transcript NM_001170629.2 (MANE Select); coding-DNA position 1090, C replaced by T.
Protein change: p.Pro364Ser; replaces proline 364 with serine.
Molecular consequence: missense variant.
Genome position (GRCh38, 1-based): chr14:21,429,089, G>A on the plus strand (C>T on the coding strand, the complement: CHD8 is on the minus strand). VCF-style: chr14-21429089-G-A. GRCh37 (hg19) VCF-style: chr14-21897248-G-A.
Other names: c.253C>T, p.Pro85Ser (NM_020920.4); short protein forms P85S, P364S.
Identifiers: ClinVar variation 3023811 (VCV003023811.3), dbSNP rs1889452000, ClinGen allele CA388884756.
Genomic context (GRCh38, chr14:21,429,089, plus strand): 5'-TTATCTGAGCCTGCTGTACAGAGGACAGAGTCACTGGCTGGGTGGAGGGTGGCTGCTGGG[G>A]CTGTGGCTGCGATGATGGTGGTTGTGGTACAATCTGGATTTTTTGCTGTGGCTGCTGCAC-3'
Protein context (NP_001164100.1, residues 354-374): VPQPPSSQPQ[Pro364Ser]QQPPSTQPVT

ClinVar aggregate classification (germline): Uncertain significance (1 of 4 stars; one submission).

Allele frequency attached by ClinVar (database versions not stated): gnomAD exomes 0.00001.
gnomAD v4.1: 3 of 1,614,018 alleles (0.00019%); highest among the groups gnomAD compares: South Asian, 0.0011%; no homozygotes.

Submission:

Labcorp Genetics (formerly Invitae), Labcorp
Classification: Uncertain significance. Last evaluated: 2025-10-01. Review status: criteria provided, single submitter. Criteria: Invitae Variant Classification Sherloc (09022015). Collection method: clinical testing. Allele origin: germline.
Comment: This sequence change replaces proline, which is neutral and non-polar, with serine, which is neutral and polar, at codon 364 of the CHD8 protein (p.Pro364Ser). This variant is not present in population databases (gnomAD no frequency). This variant has not been reported in the literature in individuals affected with CHD8-related conditions. ClinVar contains an entry for this variant (Variation ID: 3023811). Invitae Evidence Modeling of protein sequence and biophysical properties (such as structural, functional, and spatial information, amino acid conservation, physicochemical variation, residue mobility, and thermodynamic stability) indicates that this missense variant is not expected to disrupt CHD8 protein function with a negative predictive value of 95%. In summary, the available evidence is currently insufficient to determine the role of this variant in disease. Therefore, it has been classified as a Variant of Uncertain Significance.